The following is an entry in ClinVar:

NM_007294.4(BRCA1):c.2954_2958delinsATA (p.Pro985fs)

Gene: BRCA1 (BRCA1 DNA repair associated; minus strand). Cytogenetic location: 17q21.31.
Variant type: Indel.
Coding change: c.2954_2958delinsATA on transcript NM_007294.4 (MANE Select); coding-DNA positions 2954 to 2958, CCATC replaced by ATA.
Protein change: p.Pro985fs; shifts the reading frame from proline 985.
Molecular consequence: frameshift variant. On other transcripts: intron variant (137).
Genome position (GRCh38, 1-based): chr17:43,092,573-43,092,577, GATGG replaced by TAT on the plus strand (CCATC replaced by ATA on the coding strand, the reverse complement: BRCA1 is on the minus strand). VCF-style: chr17-43092573-GATGG-TAT. GRCh37 (hg19) VCF-style: chr17-41244590-GATGG-TAT.
Other names: c.2951_2955delinsATA, p.Pro984fs (NM_001407633.1, NM_001407634.1, NM_001407635.1 and 22 more transcripts); c.2954_2958delinsATA, p.Pro985fs (NM_001407639.1, NM_001407640.1, NM_001407641.1 and 30 more transcripts); c.521-1545_521-1541delinsATA (NM_001408504.1, NM_001408503.1, NM_001408505.1); c.644-1545_644-1541delinsATA (NM_001408463.1, NM_001408470.1, NM_001408464.1 and 3 more transcripts); c.524-1545_524-1541delinsATA (NM_001408499.1, NM_001408498.1, NM_001408501.1 and 3 more transcripts); c.671-1545_671-1541delinsATA (NM_001408422.1, NM_001408423.1, NM_001408420.1 and 2 more transcripts); c.2945_2949delinsATA, p.Pro982fs (NM_001407646.1, NM_001407647.1); c.662-1545_662-1541delinsATA (NM_001408434.1, NM_001408450.1, NM_001408446.1 and 6 more transcripts); and 41 more; short protein forms P817fs, P944fs, P858fs, P873fs, P896fs, P897fs, P914fs, P917fs.
Identifiers: ClinVar variation 4625631 (VCV004625631.1).

ClinVar aggregate classification (germline): Pathogenic (1 of 4 stars; one submission).

Conditions:
Hereditary cancer-predisposing syndrome. Also called: Neoplastic Syndromes, Hereditary; Tumor predisposition; Hereditary Cancer Syndrome; Hereditary neoplastic syndrome. Identifiers: Orphanet 140162, MedGen C0027672, MeSH D009386, MONDO:0015356.

Submission:

Ambry Genetics
Classification: Pathogenic for Hereditary cancer-predisposing syndrome. Last evaluated: 2025-12-01. Review status: criteria provided, single submitter. Criteria: Ambry Variant Classification Scheme 2023. Collection method: clinical testing. Allele origin: germline.
Comment: The c.2954_2958delCCATCinsATA pathogenic mutation, located in coding exon 9 of the BRCA1 gene, results from the deletion of 5 nucleotides and insertion of 3 nucleotides causing a translational frameshift with a predicted alternate stop codon (p.P985Hfs*6). This variant is considered to be rare based on population cohorts in the Genome Aggregation Database (gnomAD). This alteration is expected to result in loss of function by premature protein truncation or nonsense-mediated mRNA decay. As such, this alteration is interpreted as a disease-causing mutation.